The following is an entry in ClinVar:

NM_001145809.2(MYH14):c.1115-4C>T

Gene: MYH14 (myosin heavy chain 14; plus strand). Cytogenetic location: 19q13.33.
Variant type: single nucleotide variant.
Coding change: c.1115-4C>T on transcript NM_001145809.2 (MANE Select); 4 bases into the intron before coding-DNA position 1115, C replaced by T.
Molecular consequence: intron variant.
Genome position (GRCh38, 1-based): chr19:50,244,238, C>T. VCF-style: chr19-50244238-C-T. GRCh37 (hg19) VCF-style: chr19-50747495-C-T.
Other names: p.?; c.1115-4C>T (NM_001077186.2); c.1091-4C>T (NM_024729.4).
Identifiers: ClinVar variation 44045 (VCV000044045.49), dbSNP rs142696359, ClinGen allele CA133454.

ClinVar aggregate classification (germline): Conflicting classifications of pathogenicity. Review status: criteria provided, conflicting classifications (1 of 4 stars). 8 submissions from 8 submitters: Uncertain significance (1); Benign (3); Likely benign (4). Last evaluated 2026-02-01.

Conditions:
Autosomal dominant nonsyndromic hearing loss 4A. Also called: Deafness, autosomal dominant 4A. Identifiers: Orphanet 90635, MedGen C1833503, MONDO:0010915, OMIM 600652.

Allele frequency attached by ClinVar (database versions not stated): ESP Exome Variant Server 0.00016; gnomAD 0.00036; gnomAD exomes 0.00042 and 0.00046; ExAC 0.00045; TOPMed 0.00052; 1000 Genomes Project 0.00060; 1000 Genomes Project 30x 0.00062.
gnomAD v4.1: 669 of 1,613,446 alleles (0.041%); highest among the groups gnomAD compares: Admixed American, 0.11%; 1 homozygote.

Submissions (8):

Labcorp Genetics (formerly Invitae), Labcorp
Classification: Benign. Last evaluated: 2026-02-01. Review status: criteria provided, single submitter. Criteria: Invitae Variant Classification Sherloc (09022015). Collection method: clinical testing. Allele origin: germline.

Blueprint Genetics
Classification: Likely benign. Last evaluated: 2024-11-27. Review status: criteria provided, single submitter. Criteria: ACMG Guidelines, 2015. Collection method: clinical testing. Allele origin: germline.

CeGaT Center for Human Genetics Tuebingen
Classification: Benign. Last evaluated: 2022-05-01. Review status: criteria provided, single submitter. Criteria: CeGaT Center For Human Genetics Tuebingen Variant Classification Criteria Version 2. Collection method: clinical testing. Allele origin: germline. Affected: yes. Observed: 1 variant allele.
Comment: MYH14: BS1, BS2

GeneDx
Classification: Likely benign. Last evaluated: 2021-05-19. Review status: criteria provided, single submitter. Criteria: GeneDx Variant Classification Process June 2021. Collection method: clinical testing. Allele origin: germline. Affected: yes.

Mayo Clinic Laboratories, Mayo Clinic
Classification: Benign. Last evaluated: 2020-10-22. Review status: criteria provided, single submitter. Criteria: ACMG Guidelines, 2015. Collection method: clinical testing. Allele origin: germline. Observed: 4 variant alleles.

Illumina Laboratory Services, Illumina
Classification: Likely benign for Autosomal dominant nonsyndromic hearing loss 4A. Last evaluated: 2018-01-12. Review status: criteria provided, single submitter. Criteria: ICSL Variant Classification Criteria 13 December 2019. Collection method: clinical testing. Allele origin: germline.
Comment: This variant was observed in the ICSL laboratory as part of a predisposition screen in an ostensibly healthy population. It had not been previously curated by ICSL or reported in the Human Gene Mutation Database (HGMD: prior to June 1st, 2018), and was therefore a candidate for classification through an automated scoring system. Utilizing variant allele frequency, disease prevalence and penetrance estimates, and inheritance mode, an automated score was calculated to assess if this variant is too frequent to cause the disease. Based on the score and internal cut-off values, a variant classified as likely benign is not then subjected to further curation. The score for this variant resulted in a classification of likely benign for this disease.

Eurofins Ntd Llc (ga)
Classification: Uncertain significance. Last evaluated: 2015-02-02. Review status: criteria provided, single submitter. Criteria: EGL Classification Definitions 2015. Collection method: clinical testing. Allele origin: germline. Observed: 1 variant allele, 1 heterozygote.

Laboratory for Molecular Medicine, Mass General Brigham Personalized Medicine
Classification: Likely benign. Last evaluated: 2013-02-02. Review status: criteria provided, single submitter. Criteria: LMM Criteria. Collection method: clinical testing. Allele origin: germline. Observed: 4 variant alleles.
Comment: 1115-4C>T in intron 10 of MYH14: This variant is not expected to have clinical s ignificance because it is not located within the splice consensus sequence and i t has been identified in 0.01% (1/8468) of European American chromosomes and 0.0 2% (1/4214) of African American chromosomes from a broad population by the NHLBI Exome Sequencing Project (dbSNP rs142696359) .